The following is an entry in ClinVar:

ClinVar aggregate classification (germline): Conflicting classifications of pathogenicity. Review status: criteria provided, conflicting classifications (1 of 4 stars). 2 submissions from 2 submitters: Uncertain significance (1); Likely benign (1). Last evaluated 2025-06-18.

Conditions:
Cardiovascular phenotype. Identifiers: MedGen CN230736.
Dilated cardiomyopathy 1DD (CMD1DD). Identifiers: Orphanet 154, MedGen C2750995, MONDO:0013168, OMIM 613172.

Allele frequency attached by ClinVar (database versions not stated): TOPMed below 0.00001; gnomAD 0.00001; gnomAD exomes 0.00001.

Submissions (2):

Ambry Genetics
Classification: Likely benign for Cardiovascular phenotype. Last evaluated: 2025-06-18. Review status: criteria provided, single submitter. Criteria: Ambry Variant Classification Scheme 2023. Collection method: clinical testing. Allele origin: germline.

Labcorp Genetics (formerly Invitae), Labcorp
Classification: Uncertain significance for Dilated cardiomyopathy 1DD. Last evaluated: 2023-12-28. Review status: criteria provided, single submitter. Criteria: Invitae Variant Classification Sherloc (09022015). Collection method: clinical testing. Allele origin: germline.
Comment: This sequence change replaces glycine, which is neutral and non-polar, with serine, which is neutral and polar, at codon 303 of the RBM20 protein (p.Gly303Ser). This variant is present in population databases (no rsID available, gnomAD 0.002%). This variant has not been reported in the literature in individuals affected with RBM20-related conditions. ClinVar contains an entry for this variant (Variation ID: 2192821). Advanced modeling of protein sequence and biophysical properties (such as structural, functional, and spatial information, amino acid conservation, physicochemical variation, residue mobility, and thermodynamic stability) performed at Invitae indicates that this missense variant is not expected to disrupt RBM20 protein function with a negative predictive value of 95%. In summary, the available evidence is currently insufficient to determine the role of this variant in disease. Therefore, it has been classified as a Variant of Uncertain Significance.

NM_001134363.3(RBM20):c.907G>A (p.Gly303Ser)

Gene: RBM20 (RNA binding motif protein 20; plus strand). Cytogenetic location: 10q25.2.
Variant type: single nucleotide variant.
Coding change: c.907G>A on transcript NM_001134363.3 (MANE Select); coding-DNA position 907, G replaced by A.
Protein change: p.Gly303Ser; replaces glycine 303 with serine.
Molecular consequence: missense variant.
Genome position (GRCh38, 1-based): chr10:110,781,516, G>A. VCF-style: chr10-110781516-G-A. GRCh37 (hg19) VCF-style: chr10-112541274-G-A.
Other names: short protein forms G303S.
Identifiers: ClinVar variation 2192821 (VCV002192821.6), dbSNP rs996614468, ClinGen allele CA213234925.
Genomic context (GRCh38, chr10:110,781,516, plus strand): 5'-TACGGACCCAACTCCCAAGGTTCACATGTGGCCAGCGGATTTCCAGCTGAGCAGGCTGGG[G>A]GCCTGAAAAGTGAGGTCGGGCCACTGCTGCAGGGCACAAACAGCCAATGGGAGAGCCCCC-3'
Protein context (NP_001127835.2, residues 293-313): ASGFPAEQAG[Gly303Ser]LKSEVGPLLQ